The following is an entry in ClinVar:

NM_005529.7(HSPG2):c.12015C>T (p.Ala4005=)

Gene: HSPG2 (heparan sulfate proteoglycan 2; minus strand). Cytogenetic location: 1p36.12.
Variant type: single nucleotide variant.
Coding change: c.12015C>T on transcript NM_005529.7 (MANE Select); coding-DNA position 12015, C replaced by T.
Protein change: p.Ala4005=; no amino-acid change (alanine 4005 retained).
Molecular consequence: synonymous variant.
Genome position (GRCh38, 1-based): chr1:21,829,057, G>A on the plus strand (C>T on the coding strand, the complement: HSPG2 is on the minus strand). VCF-style: chr1-21829057-G-A. GRCh37 (hg19) VCF-style: chr1-22155550-G-A.
Other names: c.12018C>T, p.Ala4006= (NM_001291860.2).
Identifiers: ClinVar variation 3037596 (VCV003037596.3), dbSNP rs770257885, ClinGen allele CA669540.

ClinVar aggregate classification (germline): Likely benign. Review status: criteria provided, single submitter (1 of 4 stars). 2 submissions from 2 submitters: Likely benign (1). 1 of the submissions does not count toward it. Last evaluated 2025-03-06.

Conditions:
HSPG2-related disorder. Also called: HSPG2-related condition; HSPG2-related disorders.

Allele frequency attached by ClinVar (database versions not stated): TOPMed 0.00005; ExAC 0.00007; gnomAD 0.00007.
gnomAD v4.1: 69 of 1,543,850 alleles (0.0045%); highest among the groups gnomAD compares: Middle Eastern, 0.038%; no homozygotes.

Submissions (2):

Labcorp Genetics (formerly Invitae), Labcorp
Classification: Likely benign. Last evaluated: 2025-03-06. Review status: criteria provided, single submitter. Criteria: Invitae Variant Classification Sherloc (09022015). Collection method: clinical testing. Allele origin: germline.

PreventionGenetics, part of Exact Sciences
Classification: Likely benign for HSPG2-related condition. Last evaluated: 2019-05-03. Review status: no assertion criteria provided. Collection method: clinical testing. Allele origin: germline. Not counted in ClinVar's aggregate classification.
Comment: This variant is classified as likely benign based on ACMG/AMP sequence variant interpretation guidelines (Richards et al. 2015 PMID: 25741868, with internal and published modifications).